The following is an entry in ClinVar:

ClinVar aggregate classification (germline): Uncertain significance (1 of 4 stars; one submission).

Conditions:
Hereditary cancer-predisposing syndrome. Also called: Neoplastic Syndromes, Hereditary; Tumor predisposition; Hereditary neoplastic syndrome; Hereditary Cancer Syndrome. Identifiers: Orphanet 140162, MedGen C0027672, MeSH D009386, MONDO:0015356.

Submission:

Ambry Genetics
Classification: Uncertain significance for Hereditary cancer-predisposing syndrome. Last evaluated: 2026-07-15. Review status: criteria provided, single submitter. Criteria: Ambry Variant Classification Scheme 2023. Collection method: clinical testing. Allele origin: germline.
Comment: The p.P634H variant (also known as c.1901C>A), located in coding exon 11 of the SMARCA4 gene, results from a C to A substitution at nucleotide position 1901. The proline at codon 634 is replaced by histidine, an amino acid with similar properties. This amino acid position is conserved. In addition, this alteration is predicted to be deleterious by in silico analysis. Based on the available evidence, the clinical significance of this variant remains unclear.

NM_003072.5(SMARCA4):c.1901C>A (p.Pro634His)

Gene: SMARCA4 (SWI/SNF related BAF chromatin remodeling complex subunit ATPase 4; plus strand). Cytogenetic location: 19p13.2.
Variant type: single nucleotide variant.
Coding change: c.1901C>A on transcript NM_003072.5 (MANE Select); coding-DNA position 1901, C replaced by A.
Protein change: p.Pro634His; replaces proline 634 with histidine.
Molecular consequence: missense variant. On other transcripts: non-coding transcript variant (1).
Genome position (GRCh38, 1-based): chr19:11,003,117, C>A. VCF-style: chr19-11003117-C-A. GRCh37 (hg19) VCF-style: chr19-11113793-C-A.
Other names: c.1901C>A, p.Pro634His (NM_001128844.3, NM_001128845.2, NM_001128846.2 and 6 more transcripts); short protein forms P634H.
Identifiers: ClinVar variation 5029863 (VCV005029863.1).